The following is an entry in ClinVar:

NM_005004.4(NDUFB8):c.85+6C>T

Gene: NDUFB8 (NADH:ubiquinone oxidoreductase subunit B8; minus strand). Cytogenetic location: 10q24.31.
Variant type: single nucleotide variant.
Coding change: c.85+6C>T on transcript NM_005004.4 (MANE Select); 6 bases into the intron after coding-DNA position 85, C replaced by T.
Molecular consequence: intron variant.
Genome position (GRCh38, 1-based): chr10:100,529,761, G>A on the plus strand (C>T on the coding strand, the complement: NDUFB8 is on the minus strand). VCF-style: chr10-100529761-G-A. GRCh37 (hg19) VCF-style: chr10-102289518-G-A.
Other names: c.-9+97C>T (NM_001284368.1); c.85+6C>T (NM_001284367.2).
Identifiers: ClinVar variation 1989393 (VCV001989393.4), dbSNP rs762455492, ClinGen allele CA5650285.

ClinVar aggregate classification (germline): Uncertain significance (1 of 4 stars; one submission).

Allele frequency attached by ClinVar (database versions not stated): ExAC 0.00001; gnomAD 0.00001; gnomAD exomes 0.00002; TOPMed 0.00002.
gnomAD v4.1: 33 of 1,612,550 alleles (0.002%); highest among the groups gnomAD compares: Middle Eastern, 0.033%; no homozygotes.

Submission:

Labcorp Genetics (formerly Invitae), Labcorp
Classification: Uncertain significance. Last evaluated: 2022-08-27. Review status: criteria provided, single submitter. Criteria: Invitae Variant Classification Sherloc (09022015). Collection method: clinical testing. Allele origin: germline.
Comment: This sequence change falls in intron 1 of the NDUFB8 gene. It does not directly change the encoded amino acid sequence of the NDUFB8 protein. It affects a nucleotide within the consensus splice site. This variant is present in population databases (rs762455492, gnomAD 0.0009%). This variant has not been reported in the literature in individuals affected with NDUFB8-related conditions. Variants that disrupt the consensus splice site are a relatively common cause of aberrant splicing (PMID: 17576681, 9536098). Algorithms developed to predict the effect of sequence changes on RNA splicing suggest that this variant may disrupt the consensus splice site. In summary, the available evidence is currently insufficient to determine the role of this variant in disease. Therefore, it has been classified as a Variant of Uncertain Significance.

Literature cited by the submitters: PubMed 17576681; PubMed 9536098.